The following is an entry in ClinVar:

NM_017635.5(KMT5B):c.1615C>A (p.Arg539=)

Gene: KMT5B (lysine methyltransferase 5B; minus strand). Cytogenetic location: 11q13.2.
Variant type: single nucleotide variant.
Coding change: c.1615C>A on transcript NM_017635.5 (MANE Select); coding-DNA position 1615, C replaced by A.
Protein change: p.Arg539=; no amino-acid change (arginine 539 retained).
Molecular consequence: synonymous variant.
Genome position (GRCh38, 1-based): chr11:68,158,731, G>T on the plus strand (C>A on the coding strand, the complement: KMT5B is on the minus strand). VCF-style: chr11-68158731-G-T. GRCh37 (hg19) VCF-style: chr11-67926198-G-T.
Other names: c.1099C>A, p.Arg367= (NM_001300907.1, NM_001369428.1, NM_001369429.1 and 4 more transcripts); c.895C>A, p.Arg299= (NM_001300908.2); c.1615C>A, p.Arg539= (NM_001369426.1).
Identifiers: ClinVar variation 4823272 (VCV004823272.4).
Genomic context (GRCh38, chr11:68,158,731, plus strand): 5'-TTGGTTCAAGCTTGATGTCAGAGGCCTCCTTCAGATTTGTTCTTGTCCTCACTGACCGCC[G>T]AGTTATGTAGGTGCAGGGCGAGCTCTCCCCCTGCGAATGAGCACCTCTCACAGGATTCTG-3'
Protein context (NP_060105.3, residues 529-549): GESSPCTYIT[Arg539=]RSVRTRTNLK

ClinVar aggregate classification (germline): Likely benign (1 of 4 stars; one submission).

Submission:

CeGaT Center for Human Genetics Tuebingen
Classification: Likely benign. Last evaluated: 2026-02-01. Review status: criteria provided, single submitter. Criteria: CeGaT Center For Human Genetics Tuebingen Variant Classification Criteria Version 2. Collection method: clinical testing. Allele origin: germline. Affected: yes. Observed: 1 variant allele.
Comment: KMT5B: PM2:Supporting, BP4, BP7